The following is an entry in ClinVar:

ClinVar aggregate classification (germline): Likely benign. Review status: criteria provided, single submitter (1 of 4 stars). 2 submissions from 2 submitters: Likely benign (1). 1 of the submissions does not count toward it. Last evaluated 2024-05-02.

Conditions:
HUWE1-related disorder. Also called: HUWE1-related condition.

Submissions (2):

Labcorp Genetics (formerly Invitae), Labcorp
Classification: Likely benign. Last evaluated: 2024-05-02. Review status: criteria provided, single submitter. Criteria: Invitae Variant Classification Sherloc (09022015). Collection method: clinical testing. Allele origin: germline.

PreventionGenetics, part of Exact Sciences
Classification: Likely benign for HUWE1-related condition. Last evaluated: 2022-05-12. Review status: no assertion criteria provided. Collection method: clinical testing. Allele origin: germline. Not counted in ClinVar's aggregate classification.
Comment: This variant is classified as likely benign based on ACMG/AMP sequence variant interpretation guidelines (Richards et al. 2015 PMID: 25741868, with internal and published modifications).

NM_031407.7(HUWE1):c.1383+2TAT[2]

Gene: HUWE1 (HECT, UBA and WWE domain containing E3 ubiquitin protein ligase 1; minus strand). Cytogenetic location: Xp11.22.
Variant type: Microsatellite.
Coding change: c.1383+2TAT[2] on transcript NM_031407.7 (MANE Select); two copies in a row of the 3-base unit TAT starting at c.1383+2; the reference has three copies in a row; one copy, 3 bases deleted.
Molecular consequence: splice donor variant.
Genome position (GRCh38, 1-based): chrX:53,627,729-53,627,731, ATA deleted on the plus strand (TAT on the coding strand, the reverse complement: HUWE1 is on the minus strand); deleting any 3 consecutive bases within chrX:53,627,729-53,627,737 gives the same sequence; the position shown is the placement nearest the transcript's 3' end. VCF-style (leftmost placement, unchanged base first): chrX-53627728-TATA-T. GRCh37 (hg19) VCF-style: chrX-53654679-TATA-T.
Identifiers: ClinVar variation 745276 (VCV000745276.7), dbSNP rs782154103, ClinGen allele CA10422936.